The following is an entry in ClinVar:

NM_004655.4(AXIN2):c.2142G>T (p.Arg714=)

Gene: AXIN2 (axin 2; minus strand). Cytogenetic location: 17q24.1.
Variant type: single nucleotide variant.
Coding change: c.2142G>T on transcript NM_004655.4 (MANE Select); coding-DNA position 2142, G replaced by T.
Protein change: p.Arg714=; no amino-acid change (arginine 714 retained).
Molecular consequence: synonymous variant.
Genome position (GRCh38, 1-based): chr17:65,535,721, C>A on the plus strand (G>T on the coding strand, the complement: AXIN2 is on the minus strand). VCF-style: chr17-65535721-C-A. GRCh37 (hg19) VCF-style: chr17-63531839-C-A.
Other names: c.1947G>T, p.Arg649= (NM_001363813.1).
Identifiers: ClinVar variation 860584 (VCV000860584.10), dbSNP rs2043901191, ClinGen allele CA501476147.

ClinVar aggregate classification (germline): Uncertain significance. Review status: criteria provided, multiple submitters, no conflicts (2 of 4 stars). 2 submissions from 2 submitters: Uncertain significance (2). Last evaluated 2025-01-07.

Conditions:
Hereditary cancer-predisposing syndrome. Also called: Tumor predisposition; Hereditary neoplastic syndrome; Neoplastic Syndromes, Hereditary; Hereditary Cancer Syndrome. Identifiers: Orphanet 140162, MedGen C0027672, MeSH D009386, MONDO:0015356.
Oligodontia-cancer predisposition syndrome. Also called: TOOTH AGENESIS-COLORECTAL CANCER SYNDROME. Identifiers: Orphanet 300576, MedGen C1837750, MONDO:0012075, OMIM 608615. Disease mechanism: loss of function.

Submissions (2):

Ambry Genetics
Classification: Uncertain significance for Hereditary cancer-predisposing syndrome. Last evaluated: 2025-01-07. Review status: criteria provided, single submitter. Criteria: Ambry Variant Classification Scheme 2023. Collection method: clinical testing. Allele origin: germline.
Comment: The c.2142G>T variant (also known as p.R714R), located in coding exon 8 of the AXIN2 gene, results from a G to T substitution at nucleotide position 2142. This nucleotide substitution does not change the amino acid at codon 714. This nucleotide position is not well conserved in available vertebrate species. In silico splice site analysis predicts that this alteration may weaken the native splice acceptor site and may result in the creation or strengthening of a novel splice acceptor site; however, direct evidence is insufficient at this time (Ambry internal data). Based on the available evidence, the clinical significance of this variant remains unclear.

Labcorp Genetics (formerly Invitae), Labcorp
Classification: Uncertain significance for Oligodontia-cancer predisposition syndrome. Last evaluated: 2024-05-01. Review status: criteria provided, single submitter. Criteria: Invitae Variant Classification Sherloc (09022015). Collection method: clinical testing. Allele origin: germline.
Comment: This sequence change affects codon 714 of the AXIN2 mRNA. It is a 'silent' change, meaning that it does not change the encoded amino acid sequence of the AXIN2 protein. This variant is not present in population databases (gnomAD no frequency). This variant has not been reported in the literature in individuals affected with AXIN2-related conditions. ClinVar contains an entry for this variant (Variation ID: 860584). Algorithms developed to predict the effect of sequence changes on RNA splicing suggest that this variant may disrupt the consensus splice site. In summary, the available evidence is currently insufficient to determine the role of this variant in disease. Therefore, it has been classified as a Variant of Uncertain Significance.